The following is an entry in ClinVar:

ClinVar aggregate classification (germline): Uncertain significance (1 of 4 stars; one submission).

Conditions:
Primary ciliary dyskinesia 19. Also called: CILIARY DYSKINESIA, PRIMARY, 19, WITH OR WITHOUT SITUS INVERSUS. Identifiers: Orphanet 244, MedGen C3543826, MONDO:0013979, OMIM 614935.

Submission:

Labcorp Genetics (formerly Invitae), Labcorp
Classification: Uncertain significance for Primary ciliary dyskinesia 19. Last evaluated: 2022-12-28. Review status: criteria provided, single submitter. Criteria: Invitae Variant Classification Sherloc (09022015). Collection method: clinical testing. Allele origin: germline.
Comment: In summary, the available evidence is currently insufficient to determine the role of this variant in disease. Therefore, it has been classified as a Variant of Uncertain Significance. Advanced modeling of protein sequence and biophysical properties (such as structural, functional, and spatial information, amino acid conservation, physicochemical variation, residue mobility, and thermodynamic stability) performed at Invitae indicates that this missense variant is not expected to disrupt LRRC6 protein function. This variant has not been reported in the literature in individuals affected with LRRC6-related conditions. This variant is not present in population databases (gnomAD no frequency). This sequence change replaces lysine, which is basic and polar, with asparagine, which is neutral and polar, at codon 238 of the LRRC6 protein (p.Lys238Asn).

NM_012472.6(DNAAF11):c.714G>T (p.Lys238Asn)

Gene: DNAAF11 (dynein axonemal assembly factor 11; minus strand). Cytogenetic location: 8q24.22.
Variant type: single nucleotide variant.
Coding change: c.714G>T on transcript NM_012472.6 (MANE Select); coding-DNA position 714, G replaced by T.
Protein change: p.Lys238Asn; replaces lysine 238 with asparagine.
Molecular consequence: missense variant. On other transcripts: non-coding transcript variant (10).
Genome position (GRCh38, 1-based): chr8:132,625,394, C>A on the plus strand (G>T on the coding strand, the complement: DNAAF11 is on the minus strand). VCF-style: chr8-132625394-C-A. GRCh37 (hg19) VCF-style: chr8-133637640-C-A.
Other names: c.714G>T, p.Lys238Asn (NM_001321961.2); c.468G>T, p.Lys156Asn (NM_001321962.2); c.354G>T, p.Lys118Asn (NM_001321963.2, NM_001321964.2, NM_001321965.2 and 1 more transcripts); short protein forms K238N, K118N, K156N.
Identifiers: ClinVar variation 2024059 (VCV002024059.4), dbSNP rs2537927162, ClinGen allele CA372294785.
Genomic context (GRCh38, chr8:132,625,394, plus strand): 5'-AGGAGTAAACAAACAGGGCTTATTCCAGAATTCCAAGTCATCTTCACTGTTGTCTAATTT[C>A]TTTGTGTTGTGTTCCTCTGTGTCTGGTGCCTGTAGGTGGTCTTTGCTCTCTAAAGAGGAA-3'
Protein context (NP_036604.2, residues 228-248): QAPDTEEHNT[Lys238Asn]KLDNSEDDLE